The following is an entry in ClinVar:

NM_001252102.2(KIF21B):c.3724C>T (p.Pro1242Ser)

Gene: KIF21B (kinesin family member 21B; minus strand). Cytogenetic location: 1q32.1.
Variant type: single nucleotide variant.
Coding change: c.3724C>T on transcript NM_001252102.2 (MANE Select); coding-DNA position 3724, C replaced by T.
Protein change: p.Pro1242Ser; replaces proline 1242 with serine.
Molecular consequence: missense variant.
Genome position (GRCh38, 1-based): chr1:200,984,938, G>A on the plus strand (C>T on the coding strand, the complement: KIF21B is on the minus strand). VCF-style: chr1-200984938-G-A. GRCh37 (hg19) VCF-style: chr1-200954066-G-A.
Other names: c.3724C>T, p.Pro1242Ser (NM_001252100.2, NM_001252103.2, NM_017596.4); short protein forms P1242S.
Identifiers: ClinVar variation 3893376 (VCV003893376.1).

ClinVar aggregate classification (germline): Uncertain significance (1 of 4 stars; one submission).

Submission:

GeneDx
Classification: Uncertain significance. Last evaluated: 2024-10-23. Review status: criteria provided, single submitter. Criteria: GeneDx Variant Classification Process June 2021. Collection method: clinical testing. Allele origin: germline. Affected: yes.
Comment: Not observed at significant frequency in large population cohorts (gnomAD); In silico analysis supports that this missense variant has a deleterious effect on protein structure/function; Has not been previously published as pathogenic or benign to our knowledge